The following is an entry in ClinVar:

NM_000498.3(CYP11B2):c.1343_1350del (p.Arg448fs)

Genes: CYP11B2 (cytochrome P450 family 11 subfamily B member 2; minus strand), LOC106799834 (CYP11B2 recombination region; plus strand). Cytogenetic location: 8q24.3.
Variant type: Deletion.
Coding change: c.1343_1350del on transcript NM_000498.3 (MANE Select); coding-DNA positions 1343 to 1350, 8 bases deleted (GCCAGTGC; older notation c.1343_1350delGCCAGTGC).
Protein change: p.Arg448fs; shifts the reading frame from arginine 448.
Molecular consequence: frameshift variant.
Genome position (GRCh38, 1-based): chr8:142,912,578-142,912,585, GCACTGGC deleted on the plus strand (GCCAGTGC on the coding strand, the reverse complement: CYP11B2 is on the minus strand); deleting any 8 consecutive bases within chr8:142,912,578-142,912,588 gives the same sequence; the c. name uses the placement nearest the transcript's 3' end. VCF-style (leftmost placement, unchanged base first): chr8-142912577-GGCACTGGC-G. GRCh37 (hg19) VCF-style: chr8-143993993-GGCACTGGC-G.
Other names: short protein forms R448fs.
Identifiers: ClinVar variation 2711002 (VCV002711002.3), dbSNP rs2488698196, ClinGen allele CA2579268375.

ClinVar aggregate classification (germline): Pathogenic (1 of 4 stars; one submission).

Submission:

Labcorp Genetics (formerly Invitae), Labcorp
Classification: Pathogenic. Last evaluated: 2024-01-24. Review status: criteria provided, single submitter. Criteria: Invitae Variant Classification Sherloc (09022015). Collection method: clinical testing. Allele origin: germline.
Comment: This sequence change creates a premature translational stop signal (p.Arg448Profs*53) in the CYP11B2 gene. While this is not anticipated to result in nonsense mediated decay, it is expected to disrupt the last 56 amino acid(s) of the CYP11B2 protein. This variant is not present in population databases (gnomAD no frequency). This variant has not been reported in the literature in individuals affected with CYP11B2-related conditions. This variant disrupts a region of the CYP11B2 protein in which other variant(s) (p.Thr498Ala) have been determined to be pathogenic (PMID: 12788848, 21237269). This suggests that this is a clinically significant region of the protein, and that variants that disrupt it are likely to be disease-causing. For these reasons, this variant has been classified as Pathogenic.

Literature cited by the submitters: PubMed 12788848; PubMed 21237269.